The following is an entry in ClinVar:

ClinVar aggregate classification (germline): Uncertain significance (1 of 4 stars; one submission).

Conditions:
Marfan syndrome (MFS). Also called: MARFAN SYNDROME, TYPE I; Marfan syndrome, classic; FBN1-Related Marfan Syndrome; Marfan syndrome type 1; Marfan's syndrome. Identifiers: Orphanet 284963, Orphanet 558, MedGen C0024796, MONDO:0007947, OMIM 154700.

Submission:

Women's Health and Genetics/Laboratory Corporation of America, LabCorp
Classification: Uncertain significance for Marfan Syndrome. Last evaluated: 2011-08-18. Review status: criteria provided, single submitter. Criteria: LabCorp Variant Classification Summary - May 2015. Collection method: curation, clinical testing. Allele origin: germline. Inheritance: autosomal dominant. Affected: yes. Observed: 1 variant allele.
ClinVar note: Converted during submission from uncertain to Uncertain significance.

Literature cited by the submitters: PubMed 17209430.

NM_000138.5(FBN1):c.3589+11TTTTA[8]

Gene: FBN1 (fibrillin 1; minus strand). Cytogenetic location: 15q21.1.
Variant type: Microsatellite.
Coding change: c.3589+11TTTTA[8] on transcript NM_000138.5 (MANE Select); eight copies in a row of the 5-base unit TTTTA starting at c.3589+11; the reference has six copies in a row; two copies, 10 bases duplicated.
Molecular consequence: intron variant.
Genome position (GRCh38, 1-based): chr15:48,487,035-48,487,044, TAAAATAAAA duplicated on the plus strand (TTTTATTTTA on the coding strand, the reverse complement: FBN1 is on the minus strand); duplicating any 10 consecutive bases within chr15:48,487,035-48,487,064 gives the same sequence; the position shown is the placement nearest the transcript's 3' end. VCF-style (leftmost placement, unchanged base first): chr15-48487034-G-GTAAAATAAAA. GRCh37 (hg19) VCF-style: chr15-48779231-G-GTAAAATAAAA.
Other names: c.3589+31_3589+40dup (NM_000138.4).
Identifiers: ClinVar variation 36068 (VCV000036068.4), dbSNP rs72158035, ClinGen allele CA281796.